The following is an entry in ClinVar:

ClinVar aggregate classification (germline): Pathogenic (1 of 4 stars; one submission).

Conditions:
Poirier-Bienvenu neurodevelopmental syndrome (POBINDS). Identifiers: Orphanet 689397, MedGen C5231482, MONDO:0032889, OMIM 618732.

Submission:

Institute of Human Genetics, University of Leipzig Medical Center
Classification: Pathogenic for Poirier-Bienvenu neurodevelopmental syndrome. Last evaluated: 2025-06-04. Review status: criteria provided, single submitter. Criteria: ACMG Guidelines, 2015. Collection method: clinical testing. Allele origin: unknown. Inheritance: Autosomal dominant inheritance. Affected: yes.
Comment: Criteria applied: PVS1,PS1,PM2

NM_001320.7(CSNK2B):c.292-1G>C

Gene: CSNK2B (casein kinase 2 beta; plus strand). Cytogenetic location: 6p21.33.
Variant type: single nucleotide variant.
Coding change: c.292-1G>C on transcript NM_001320.7 (MANE Select); the canonical splice acceptor site of the intron before coding-DNA position 292, G replaced by C.
Molecular consequence: splice acceptor variant.
Genome position (GRCh38, 1-based): chr6:31,669,096, G>C. VCF-style: chr6-31669096-G-C. GRCh37 (hg19) VCF-style: chr6-31636873-G-C.
Other names: c.292-1G>C (NM_001282385.2).
Identifiers: ClinVar variation 4056322 (VCV004056322.1).
Genomic context (GRCh38, chr6:31,669,096, plus strand): 5'-CGAAGGGAGTTGCCTCTTCTTTACATCTACCTGCCAACCCCTTCCATTGTATTCACCTCA[G>C]TTGGAAAAGTACCAGCAAGGAGACTTTGGTTACTGTCCTCGTGTGTACTGTGAGAACCAG-3'